The following is an entry in ClinVar:

NM_015599.3(PGM3):c.1327C>G (p.Leu443Val)

Gene: PGM3 (phosphoglucomutase 3; minus strand). Cytogenetic location: 6q14.1.
Variant type: single nucleotide variant.
Coding change: c.1327C>G on transcript NM_015599.3 (MANE Select); coding-DNA position 1327, C replaced by G.
Protein change: p.Leu443Val; replaces leucine 443 with valine.
Molecular consequence: missense variant. On other transcripts: non-coding transcript variant (1), intron variant (1).
Genome position (GRCh38, 1-based): chr6:83,171,975, G>C on the plus strand (C>G on the coding strand, the complement: PGM3 is on the minus strand). VCF-style: chr6-83171975-G-C. GRCh37 (hg19) VCF-style: chr6-83881694-G-C.
Other names: c.1411C>G, p.Leu471Val (NM_001199917.2, NM_001367287.1); c.1084C>G, p.Leu362Val (NM_001199918.2); c.1327C>G, p.Leu443Val (NM_001199919.2); c.1243-1497C>G (NM_001367286.1); short protein forms L471V, L443V, L362V.
Identifiers: ClinVar variation 541845 (VCV000541845.8), dbSNP rs141509908, ClinGen allele CA3906549.
Genomic context (GRCh38, chr6:83,171,975, plus strand): 5'-TACTTTAAAGTTTCTCTCACACCTGAACTTTAAGTTGTCTGTTTGGAAGATCTGTATAGA[G>C]AGCATCCCACTGTTGTACAGTCAAGCCCTTCAGAGCCAAGATTGCTTCAATCACCAGCAT-3'
Protein context (NP_056414.1, residues 433-453): KGLTVQQWDA[Leu443Val]YTDLPNRQLK

ClinVar aggregate classification (germline): Conflicting classifications of pathogenicity. Review status: criteria provided, conflicting classifications (1 of 4 stars). 2 submissions from 2 submitters: Uncertain significance (1); Likely benign (1). Last evaluated 2026-04-15.

Conditions:
Inborn genetic diseases. Identifiers: MedGen C0950123, MeSH D030342.
Immunodeficiency 23 (IMD23). Also called: IMMUNODEFICIENCY WITH HYPER IgE AND COGNITIVE IMPAIRMENT; IMMUNODEFICIENCY-VASCULITIS-MYOCLONUS SYNDROME. Identifiers: Orphanet 443811, MedGen C4014371, MONDO:0014353, OMIM 615816.

Allele frequency attached by ClinVar (database versions not stated): TOPMed 0.00010; ESP Exome Variant Server 0.00038.
gnomAD v4.1: 225 of 1,613,226 alleles (0.014%); highest among the groups gnomAD compares: Non-Finnish European, 0.018%; no homozygotes.

Submissions (2):

Ambry Genetics
Classification: Likely benign for Inborn genetic diseases. Last evaluated: 2026-04-15. Review status: criteria provided, single submitter. Criteria: Ambry Variant Classification Scheme 2023. Collection method: clinical testing. Allele origin: germline.

Labcorp Genetics (formerly Invitae), Labcorp
Classification: Uncertain significance for Immunodeficiency 23. Last evaluated: 2022-09-27. Review status: criteria provided, single submitter. Criteria: Invitae Variant Classification Sherloc (09022015). Collection method: clinical testing. Allele origin: germline.
Comment: This sequence change replaces leucine, which is neutral and non-polar, with valine, which is neutral and non-polar, at codon 471 of the PGM3 protein (p.Leu471Val). This variant is present in population databases (rs141509908, gnomAD 0.03%). This variant has not been reported in the literature in individuals affected with PGM3-related conditions. ClinVar contains an entry for this variant (Variation ID: 541845). Algorithms developed to predict the effect of missense changes on protein structure and function (SIFT, PolyPhen-2, Align-GVGD) all suggest that this variant is likely to be tolerated. In summary, the available evidence is currently insufficient to determine the role of this variant in disease. Therefore, it has been classified as a Variant of Uncertain Significance.

Literature cited by the submitters: PubMed 36413997 (cited by Ambry Genetics).